The following is an entry in ClinVar:

NM_030665.4(RAI1):c.1071T>C (p.Ser357=)

Gene: RAI1 (retinoic acid induced 1; plus strand). Cytogenetic location: 17p11.2.
Variant type: single nucleotide variant.
Coding change: c.1071T>C on transcript NM_030665.4 (MANE Select); coding-DNA position 1071, T replaced by C.
Protein change: p.Ser357=; no amino-acid change (serine 357 retained).
Molecular consequence: synonymous variant.
Genome position (GRCh38, 1-based): chr17:17,794,019, T>C. VCF-style: chr17-17794019-T-C. GRCh37 (hg19) VCF-style: chr17-17697333-T-C.
Identifiers: ClinVar variation 3351522 (VCV003351522.1).

ClinVar aggregate classification (germline): Likely benign (0 of 4 stars; one submission).

Conditions:
RAI1-related disorder. Also called: RAI1-related condition.

Submission:

PreventionGenetics, part of Exact Sciences
Classification: Likely benign for RAI1-related condition. Last evaluated: 2021-07-20. Review status: no assertion criteria provided. Collection method: clinical testing. Allele origin: germline.
Comment: This variant is classified as likely benign based on ACMG/AMP sequence variant interpretation guidelines (Richards et al. 2015 PMID: 25741868, with internal and published modifications).